The following is an entry in ClinVar:

NM_033028.5(BBS4):c.711+1G>A

Gene: BBS4 (Bardet-Biedl syndrome 4; plus strand). Cytogenetic location: 15q24.1.
Variant type: single nucleotide variant.
Coding change: c.711+1G>A on transcript NM_033028.5 (MANE Select); the canonical splice donor site of the intron after coding-DNA position 711, G replaced by A.
Molecular consequence: splice donor variant. On other transcripts: intron variant (1).
Genome position (GRCh38, 1-based): chr15:72,729,685, G>A. VCF-style: chr15-72729685-G-A. GRCh37 (hg19) VCF-style: chr15-73022026-G-A.
Other names: c.643-1620G>A (NM_001320665.2); c.195+1G>A (NM_001252678.2).
Identifiers: ClinVar variation 1515532 (VCV001515532.10), dbSNP rs2151044091, ClinGen allele CA393077993.

ClinVar aggregate classification (germline): Likely pathogenic. Review status: criteria provided, multiple submitters, no conflicts (2 of 4 stars). 3 submissions from 3 submitters: Likely pathogenic (3). Last evaluated 2024-04-03.

Conditions:
Bardet-Biedl syndrome 4 (BBS4). Identifiers: Orphanet 110, MedGen C2936864, MONDO:0014433, OMIM 615982.
BBS4-related disorder. Also called: BBS4-related condition.
Bardet-Biedl syndrome (BBS). Identifiers: Orphanet 110, MedGen C0752166, MONDO:0015229.

Submissions (3):

Fulgent Genetics
Classification: Likely pathogenic for Bardet-Biedl syndrome 4. Last evaluated: 2024-04-03. Review status: criteria provided, single submitter. Criteria: ACMG Guidelines, 2015. Collection method: clinical testing. Allele origin: germline.

Blueprint Genetics
Classification: Likely pathogenic for BBS4-related disorders. Last evaluated: 2022-11-15. Review status: criteria provided, single submitter. Criteria: ACMG Guidelines, 2015. Collection method: clinical testing. Allele origin: germline. Affected: yes. Observed: 1 variant allele.

Labcorp Genetics (formerly Invitae), Labcorp
Classification: Likely pathogenic for Bardet-Biedl syndrome. Last evaluated: 2021-05-26. Review status: criteria provided, single submitter. Criteria: Invitae Variant Classification Sherloc (09022015). Collection method: clinical testing. Allele origin: germline.
Comment: This sequence change affects a donor splice site in intron 10 of the BBS4 gene. It is expected to disrupt RNA splicing. Variants that disrupt the donor or acceptor splice site typically lead to a loss of protein function (PMID: 16199547), and loss-of-function variants in BBS4 are known to be pathogenic (PMID: 11381270, 12016587, 20177705, 27894351). This variant is not present in population databases (ExAC no frequency). In summary, the currently available evidence indicates that the variant is pathogenic, but additional data are needed to prove that conclusively. Therefore, this variant has been classified as Likely Pathogenic. Algorithms developed to predict the effect of sequence changes on RNA splicing suggest that this variant may disrupt the consensus splice site, but this prediction has not been confirmed by published transcriptional studies. This variant has not been reported in the literature in individuals with BBS4-related conditions.

Literature cited by the submitters: PubMed 16199547 (cited by Labcorp Genetics (formerly Invitae), Labcorp); PubMed 11381270 (cited by Labcorp Genetics (formerly Invitae), Labcorp); PubMed 12016587 (cited by Labcorp Genetics (formerly Invitae), Labcorp); PubMed 20177705 (cited by Labcorp Genetics (formerly Invitae), Labcorp); PubMed 27894351 (cited by Labcorp Genetics (formerly Invitae), Labcorp).